The following is an entry in ClinVar:

ClinVar aggregate classification (germline): Benign. Review status: criteria provided, multiple submitters, no conflicts (2 of 4 stars). 2 submissions from 2 submitters: Benign (2). Last evaluated 2018-01-13.

Conditions:
Parietal foramina 2 (PFM2). Identifiers: Orphanet 60015, MedGen C1865044, MONDO:0012309, OMIM 609597.

Allele frequency attached by ClinVar (database versions not stated): 1000 Genomes Project 0.00040; 1000 Genomes Project 30x 0.00062; gnomAD 0.00153; TOPMed 0.00171.

Submissions (2):

Illumina Laboratory Services, Illumina
Classification: Benign for Parietal foramina 2. Last evaluated: 2018-01-13. Review status: criteria provided, single submitter. Criteria: ICSL Variant Classification Criteria 13 December 2019. Collection method: clinical testing. Allele origin: germline.
Comment: This variant was observed in the ICSL laboratory as part of a predisposition screen in an ostensibly healthy population. It had not been previously curated by ICSL or reported in the Human Gene Mutation Database (HGMD: prior to June 1st, 2018), and was therefore a candidate for classification through an automated scoring system. Utilizing variant allele frequency, disease prevalence and penetrance estimates, and inheritance mode, an automated score was calculated to assess if this variant is too frequent to cause the disease. Based on the score and internal cut-off values, a variant classified as benign is not then subjected to further curation. The score for this variant resulted in a classification of benign for this disease.

Breakthrough Genomics
Classification: Benign. Review status: criteria provided, single submitter. Criteria: ACMG Guidelines, 2015. Collection method: not provided. Allele origin: germline. Inheritance: Autosomal recessive inheritance. Affected: yes.

NM_021926.4(ALX4):c.*1048C>T

Gene: ALX4 (ALX homeobox 4; minus strand). Cytogenetic location: 11p11.2.
Variant type: single nucleotide variant.
Coding change: c.*1048C>T on transcript NM_021926.4 (MANE Select); 1048 bases downstream of the stop codon, C replaced by T.
Molecular consequence: 3 prime UTR variant.
Genome position (GRCh38, 1-based): chr11:44,263,806, G>A on the plus strand (C>T on the coding strand, the complement: ALX4 is on the minus strand). VCF-style: chr11-44263806-G-A. GRCh37 (hg19) VCF-style: chr11-44285356-G-A.
Other names: c.*1048C>T (LRG_1256t1).
Identifiers: ClinVar variation 304670 (VCV000304670.6), dbSNP rs532888348, ClinGen allele CA10638557.